The following is an entry in ClinVar:

ClinVar aggregate classification (germline): Uncertain significance (1 of 4 stars; one submission).

gnomAD v4.1: 1 of 1,602,564 alleles (0.000062%); highest among the groups gnomAD compares: East Asian, 0.0022%; no homozygotes.

Submission:

GeneDx
Classification: Uncertain significance. Last evaluated: 2023-10-20. Review status: criteria provided, single submitter. Criteria: GeneDx Variant Classification Process June 2021. Collection method: clinical testing. Allele origin: germline. Affected: yes.
Comment: Not observed at significant frequency in large population cohorts (gnomAD); In silico analysis supports that this missense variant does not alter protein structure/function; Has not been previously published as pathogenic or benign to our knowledge

NM_001394062.1(MACF1):c.4522G>T (p.Ala1508Ser)

Gene: MACF1 (microtubule actin crosslinking factor 1; plus strand). Cytogenetic location: 1p34.3.
Variant type: single nucleotide variant.
Coding change: c.4522G>T on transcript NM_001394062.1 (MANE Select); coding-DNA position 4522, G replaced by T.
Protein change: p.Ala1508Ser; replaces alanine 1508 with serine.
Molecular consequence: missense variant.
Genome position (GRCh38, 1-based): chr1:39,327,261, G>T. VCF-style: chr1-39327261-G-T. GRCh37 (hg19) VCF-style: chr1-39792933-G-T.
Other names: c.4537G>T, p.Ala1513Ser (NM_012090.5); short protein forms A1508S, A1513S.
Identifiers: ClinVar variation 3363289 (VCV003363289.1).